The following is an entry in ClinVar:

NM_145068.4(TRPV3):c.*1083A>C

Genes: SPATA22 (spermatogenesis associated 22; minus strand), TRPV3 (transient receptor potential cation channel subfamily V member 3; minus strand). Cytogenetic location: 17p13.2.
Variant type: single nucleotide variant.
Coding change: c.*1083A>C on transcript NM_145068.4 (MANE Select); 1083 bases downstream of the stop codon, A replaced by C.
Molecular consequence: 3 prime UTR variant. On other transcripts: intron variant (2).
Genome position (GRCh38, 1-based): chr17:3,512,834, T>G on the plus strand (A>C on the coding strand, the complement: TRPV3 is on the minus strand). VCF-style: chr17-3512834-T-G. GRCh37 (hg19) VCF-style: chr17-3416128-T-G.
Other names: c.*1083A>C (NM_001258205.2); c.-74+578A>C (NM_001321336.2, NM_001321337.2).
Identifiers: ClinVar variation 322727 (VCV000322727.7), dbSNP rs144909742, ClinGen allele CA10639411.

ClinVar aggregate classification (germline): Benign (1 of 4 stars; one submission).

Conditions:
Isolated focal non-epidermolytic palmoplantar keratoderma. Also called: Palmoplantar keratoderma, nonepidermolytic, focal 2. Identifiers: Orphanet 448264, MedGen C4225339, MONDO:0014622, OMIM 616400.

Allele frequency attached by ClinVar (database versions not stated): 1000 Genomes Project 0.00759; TOPMed 0.00142; gnomAD 0.00103 and 0.00153; 1000 Genomes Project 30x 0.00687.

Submission:

Illumina Laboratory Services, Illumina
Classification: Benign for Isolated focal non-epidermolytic palmoplantar keratoderma. Last evaluated: 2018-01-13. Review status: criteria provided, single submitter. Criteria: ICSL Variant Classification Criteria 13 December 2019. Collection method: clinical testing. Allele origin: germline.
Comment: This variant was observed in the ICSL laboratory as part of a predisposition screen in an ostensibly healthy population. It had not been previously curated by ICSL or reported in the Human Gene Mutation Database (HGMD: prior to June 1st, 2018), and was therefore a candidate for classification through an automated scoring system. Utilizing variant allele frequency, disease prevalence and penetrance estimates, and inheritance mode, an automated score was calculated to assess if this variant is too frequent to cause the disease. Based on the score and internal cut-off values, a variant classified as benign is not then subjected to further curation. The score for this variant resulted in a classification of benign for this disease.